The following is an entry in ClinVar:

ClinVar aggregate classification (germline): Pathogenic (1 of 4 stars; one submission).

Submission:

Quest Diagnostics Nichols Institute San Juan Capistrano
Classification: Pathogenic. Last evaluated: 2023-03-28. Review status: criteria provided, single submitter. Criteria: ACMG/ClinGen CNV Guidelines, 2019. Collection method: clinical testing. Allele origin: unknown.
Comment: This loss involves multiple protein-coding genes. Haploinsufficiency of FLNC is associated with autosomal dominant dilated cardiomyopathy (Begay 2016, Ortiz-Genda 2016, Janin 2017, Begay 2018), while other heterozygous missense and truncating variants of FLNC have been observed in individuals with various presentations (OMIM 617047, OMIM 614065, OMIM 609524). References: Begay et al., JACC Basic Transl Sci. 2016 Aug;1(5):344-359. PMID: 28008423 Ortiz-Genda et al., Am Coll Cardiol. 2016 Dec 6;68(22):2440-2451. PMID: 27908349 Janin et al., Clin Genet. 2017 Dec;92(6):616-623. PMID: 28436997 Begay et al., JACC Clin Electrophysiol. 2018 Apr;4(4):504-514. PMID: 30067491

GRCh37/hg19 7q31.33-32.2(chr7:127076892-129405807)x1

Genes: AHCYL2 (adenosylhomocysteinase like 2; plus strand), ARF5 (ADP ribosylation factor 5; plus strand), ATP6V1F (ATPase H+ transporting V1 subunit F; plus strand), CALU (calumenin; plus strand), CCDC136 (coiled-coil domain containing 136; plus strand) and 23 more. Cytogenetic location: 7q31.33-32.2.
Variant type: copy number loss.
Change: copy number 1 (one copy instead of two) of chr7:127,076,892-129,405,807 (2.33 Mb, GRCh37 coordinates, 1-based), cytogenetic band 7q31.33-32.2.
Identifiers: ClinVar variation 2685269 (VCV002685269.1).